The following is an entry in ClinVar:

NM_001110556.2(FLNA):c.2659_2661delinsTTG (p.Val887Leu)

Gene: FLNA (filamin A; minus strand). Cytogenetic location: Xq28.
Variant type: Indel.
Coding change: c.2659_2661delinsTTG on transcript NM_001110556.2 (MANE Select); coding-DNA positions 2659 to 2661, GTC replaced by TTG.
Protein change: p.Val887Leu; replaces valine 887 with leucine.
Molecular consequence: missense variant.
Genome position (GRCh38, 1-based): chrX:154,362,144-154,362,146, GAC replaced by CAA on the plus strand (GTC replaced by TTG on the coding strand, the reverse complement: FLNA is on the minus strand). VCF-style: chrX-154362144-GAC-CAA. GRCh37 (hg19) VCF-style: chrX-153590512-GAC-CAA.
Other names: c.2659_2661delinsTTG, p.Val887Leu (NM_001456.4); short protein forms V887L.
Identifiers: ClinVar variation 1310935 (VCV001310935.3), dbSNP rs2148114130, ClinGen allele CA2573055163.

ClinVar aggregate classification (germline): Uncertain significance (1 of 4 stars; one submission).

Submission:

GeneDx
Classification: Uncertain significance. Last evaluated: 2025-04-16. Review status: criteria provided, single submitter. Criteria: GeneDx Variant Classification Process June 2021. Collection method: clinical testing. Allele origin: germline. Affected: yes.
Comment: Not observed in large population cohorts (gnomAD); In silico analysis supports a deleterious effect on protein structure/function; Has not been previously published as pathogenic or benign to our knowledge